The following is an entry in ClinVar:

ClinVar aggregate classification (germline): Uncertain significance (1 of 4 stars; one submission).

Conditions:
Developmental and epileptic encephalopathy. Identifiers: MedGen C5779964, MONDO:0100620.

Submission:

Labcorp Genetics (formerly Invitae), Labcorp
Classification: Uncertain significance for Early-infantile DEE. Last evaluated: 2022-07-15. Review status: criteria provided, single submitter. Criteria: Invitae Variant Classification Sherloc (09022015). Collection method: clinical testing. Allele origin: germline.
Comment: In summary, the available evidence is currently insufficient to determine the role of this variant in disease. Therefore, it has been classified as a Variant of Uncertain Significance. This variant has not been reported in the literature in individuals affected with CACNA2D2-related conditions. This variant results in a copy number gain of the genomic region encompassing exon(s) 1-2 of the CACNA2D2 gene. This region includes the initiator codon of the gene. This copy number gain extends beyond the assayed region for this gene and therefore may encompass additional genes. As the precise location of this event is unknown, it may be in tandem or it may be located elsewhere in the genome.

NC_000003.11:g.(?_50513529)_(50540854_?)dup

Gene: CACNA2D2 (calcium voltage-gated channel auxiliary subunit alpha2delta 2; minus strand). Cytogenetic location: 3p21.31.
Variant type: Duplication.
Identifiers: ClinVar variation 2425466 (VCV002425466.3).